The following is an entry in ClinVar:

NM_003072.5(SMARCA4):c.3437G>A (p.Gly1146Asp)

Gene: SMARCA4 (SWI/SNF related BAF chromatin remodeling complex subunit ATPase 4; plus strand). Cytogenetic location: 19p13.2.
Variant type: single nucleotide variant.
Coding change: c.3437G>A on transcript NM_003072.5 (MANE Select); coding-DNA position 3437, G replaced by A.
Protein change: p.Gly1146Asp; replaces glycine 1146 with aspartic acid.
Molecular consequence: missense variant. On other transcripts: non-coding transcript variant (1).
Genome position (GRCh38, 1-based): chr19:11,030,784, G>A. VCF-style: chr19-11030784-G-A. GRCh37 (hg19) VCF-style: chr19-11141460-G-A.
Other names: c.3437G>A, p.Gly1146Asp (NM_001387283.1, NM_001128844.3, NM_001128845.2 and 5 more transcripts); short protein forms G1146D.
Identifiers: ClinVar variation 486456 (VCV000486456.20), dbSNP rs566531015, ClinGen allele CA9204426.

ClinVar aggregate classification (germline): Conflicting classifications of pathogenicity. Review status: criteria provided, conflicting classifications (1 of 4 stars). 5 submissions from 5 submitters: Uncertain significance (4); Likely benign (1). Last evaluated 2026-02-26.

Conditions:
Intellectual disability, autosomal dominant 16 (CSS4). Also called: COFFIN-SIRIS SYNDROME 4. Identifiers: Orphanet 1465, MedGen C3553249, MONDO:0013821, OMIM 614609.
Rhabdoid tumor predisposition syndrome 2 (RTPS2). Identifiers: Orphanet 231108, Orphanet 69077, MedGen C2750074, MONDO:0013224, OMIM 613325.
Hereditary cancer-predisposing syndrome. Also called: Tumor predisposition; Hereditary neoplastic syndrome; Neoplastic Syndromes, Hereditary; Hereditary Cancer Syndrome. Identifiers: Orphanet 140162, MedGen C0027672, MeSH D009386, MONDO:0015356.

Allele frequency attached by ClinVar (database versions not stated): gnomAD exomes below 0.00001; ExAC 0.00001; gnomAD 0.00001; TOPMed 0.00002; 1000 Genomes Project 30x 0.00016; 1000 Genomes Project 0.00020.
gnomAD v4.1: 7 of 1,610,430 alleles (0.00043%); highest among the groups gnomAD compares: African/African-American, 0.008%; no homozygotes.

Submissions (5):

GeneDx
Classification: Uncertain significance. Last evaluated: 2026-02-26. Review status: criteria provided, single submitter. Criteria: GeneDx Variant Classification Process June 2021. Collection method: clinical testing. Allele origin: germline.
Comment: In silico analysis suggests that this missense variant does not alter protein structure/function; Has not been previously published as pathogenic or benign to our knowledge; This variant is associated with the following publications: (PMID: 24658002)

Labcorp Genetics (formerly Invitae), Labcorp
Classification: Uncertain significance for Rhabdoid tumor predisposition syndrome 2. Last evaluated: 2025-12-24. Review status: criteria provided, single submitter. Criteria: Invitae Variant Classification Sherloc (09022015). Collection method: clinical testing. Allele origin: germline.
Comment: This sequence change replaces glycine, which is neutral and non-polar, with aspartic acid, which is acidic and polar, at codon 1146 of the SMARCA4 protein (p.Gly1146Asp). The frequency data for this variant in the population databases is considered unreliable, as metrics indicate poor data quality at this position in the gnomAD database. This variant has not been reported in the literature in individuals affected with SMARCA4-related conditions. ClinVar contains an entry for this variant (Variation ID: 486456). Invitae Evidence Modeling of protein sequence and biophysical properties (such as structural, functional, and spatial information, amino acid conservation, physicochemical variation, residue mobility, and thermodynamic stability) indicates that this missense variant is not expected to disrupt SMARCA4 protein function with a negative predictive value of 95%. In summary, the available evidence is currently insufficient to determine the role of this variant in disease. Therefore, it has been classified as a Variant of Uncertain Significance.

Baylor Genetics
Classification: Uncertain significance for Rhabdoid tumor predisposition syndrome 2. Last evaluated: 2024-01-30. Review status: criteria provided, single submitter. Criteria: ACMG Guidelines, 2015. Collection method: clinical testing. Allele origin: unknown.

Genome-Nilou Lab
Classification: Uncertain significance for Intellectual disability, autosomal dominant 16. Last evaluated: 2021-07-15. Review status: criteria provided, single submitter. Criteria: ACMG Guidelines, 2015. Collection method: clinical testing. Allele origin: germline. Affected: no.

Ambry Genetics
Classification: Likely benign for Hereditary cancer-predisposing syndrome. Last evaluated: 2021-01-20. Review status: criteria provided, single submitter. Criteria: Ambry Variant Classification Scheme 2023. Collection method: clinical testing. Allele origin: germline.